The following is an entry in ClinVar:

ClinVar aggregate classification (germline): Likely pathogenic. Review status: criteria provided, multiple submitters, no conflicts (2 of 4 stars). 2 submissions from 2 submitters: Likely pathogenic (2). Last evaluated 2024-04-11.

Conditions:
Familial cancer of breast. Also called: Hereditary breast cancer; BREAST CANCER, FAMILIAL; hereditary breast carcinoma. Identifiers: Orphanet 227535, MedGen C0346153, MONDO:0016419, OMIM 114480. Disease mechanism: loss of function.

Submissions (2):

Labcorp Genetics (formerly Invitae), Labcorp
Classification: Likely pathogenic for Familial cancer of breast. Last evaluated: 2024-04-11. Review status: criteria provided, single submitter. Criteria: Invitae Variant Classification Sherloc (09022015). Collection method: clinical testing. Allele origin: germline.
Comment: This sequence change affects an acceptor splice site in intron 5 of the CHEK2 gene. It is expected to disrupt RNA splicing. Variants that disrupt the donor or acceptor splice site typically lead to a loss of protein function (PMID: 16199547), and loss-of-function variants in CHEK2 are known to be pathogenic (PMID: 21876083, 24713400). This variant is not present in population databases (gnomAD no frequency). This variant has not been reported in the literature in individuals affected with CHEK2-related conditions. ClinVar contains an entry for this variant (Variation ID: 968247). Algorithms developed to predict the effect of sequence changes on RNA splicing suggest that this variant may disrupt the consensus splice site. In summary, the currently available evidence indicates that the variant is pathogenic, but additional data are needed to prove that conclusively. Therefore, this variant has been classified as Likely Pathogenic.

Myriad Genetics, Inc.
Classification: Likely pathogenic for Familial cancer of breast. Last evaluated: 2023-06-26. Review status: criteria provided, single submitter. Criteria: Myriad Autosomal Dominant, Autosomal Recessive and X-Linked Classification Criteria (2023). Collection method: clinical testing. Allele origin: unknown.
Comment: This variant is considered likely pathogenic. This variant occurs within a consensus splice junction and is predicted to result in abnormal mRNA splicing of either an out-of-frame exon or an in-frame exon necessary for protein stability and/or normal function.

Literature cited by the submitters: PubMed 16199547 (cited by Labcorp Genetics (formerly Invitae), Labcorp); PubMed 21876083 (cited by Labcorp Genetics (formerly Invitae), Labcorp); PubMed 24713400 (cited by Labcorp Genetics (formerly Invitae), Labcorp).

NM_007194.4(CHEK2):c.684-2A>T

Gene: CHEK2 (checkpoint kinase 2; minus strand). Cytogenetic location: 22q12.1.
Variant type: single nucleotide variant.
Coding change: c.684-2A>T on transcript NM_007194.4 (MANE Select); the canonical splice acceptor site of the intron before coding-DNA position 684, A replaced by T.
Molecular consequence: splice acceptor variant.
Genome position (GRCh38, 1-based): chr22:28,712,019, T>A on the plus strand (A>T on the coding strand, the complement: CHEK2 is on the minus strand). VCF-style: chr22-28712019-T-A. GRCh37 (hg19) VCF-style: chr22-29108007-T-A.
Other names: c.21-2A>T (NM_001437942.1, NM_001257387.3); c.483-2A>T (NM_001349956.3); c.684-2A>T (NM_145862.3); c.777-2A>T (NM_001438295.1, NM_001438293.1); c.813-2A>T (NM_001438294.1, NM_001005735.3).
Identifiers: ClinVar variation 968247 (VCV000968247.11), dbSNP rs2053419665, ClinGen allele CA411103530.